The following is an entry in ClinVar:

NM_001205293.3(CACNA1E):c.6850C>G (p.Arg2284Gly)

Gene: CACNA1E (calcium voltage-gated channel subunit alpha1 E; plus strand). Cytogenetic location: 1q25.3.
Variant type: single nucleotide variant.
Coding change: c.6850C>G on transcript NM_001205293.3 (MANE Select); coding-DNA position 6850, C replaced by G.
Protein change: p.Arg2284Gly; replaces arginine 2284 with glycine.
Molecular consequence: missense variant.
Genome position (GRCh38, 1-based): chr1:181,798,742, C>G. VCF-style: chr1-181798742-C-G. GRCh37 (hg19) VCF-style: chr1-181767878-C-G.
Other names: c.6721C>G, p.Arg2241Gly (NM_000721.4); c.6664C>G, p.Arg2222Gly (NM_001205294.2); short protein forms R2222G, R2284G, R2241G.
Identifiers: ClinVar variation 2135376 (VCV002135376.5), dbSNP rs770456006, ClinGen allele CA1276505.
Genomic context (GRCh38, chr1:181,798,742, plus strand): 5'-AACACCATCGGCTCAGCCCCACCCCTGCGGCATAGCTGGCAGATGCCCAACGGGCACTAT[C>G]GGCGGCGGAGGCGCGGGGGGCCTGGGCCAGGCATGATGTGTGGGGCTGTCAACAACCTGC-3'
Protein context (NP_001192222.1, residues 2274-2294): HSWQMPNGHY[Arg2284Gly]RRRRGGPGPG

ClinVar aggregate classification (germline): Conflicting classifications of pathogenicity. Review status: criteria provided, conflicting classifications (1 of 4 stars). 2 submissions from 2 submitters: Uncertain significance (1); Likely benign (1). Last evaluated 2024-03-11.

gnomAD v4.1: 10 of 1,606,100 alleles (0.00062%); highest among the groups gnomAD compares: African/African-American, 0.0013%; no homozygotes.

Submissions (2):

Labcorp Genetics (formerly Invitae), Labcorp
Classification: Uncertain significance. Last evaluated: 2024-03-11. Review status: criteria provided, single submitter. Criteria: Invitae Variant Classification Sherloc (09022015). Collection method: clinical testing. Allele origin: germline.
Comment: This sequence change replaces arginine, which is basic and polar, with glycine, which is neutral and non-polar, at codon 2241 of the CACNA1E protein (p.Arg2241Gly). This variant is present in population databases (rs770456006, gnomAD 0.005%). This variant has not been reported in the literature in individuals affected with CACNA1E-related conditions. ClinVar contains an entry for this variant (Variation ID: 2135376). Advanced modeling of protein sequence and biophysical properties (such as structural, functional, and spatial information, amino acid conservation, physicochemical variation, residue mobility, and thermodynamic stability) has been performed at Invitae for this missense variant, however the output from this modeling did not meet the statistical confidence thresholds required to predict the impact of this variant on CACNA1E protein function. In summary, the available evidence is currently insufficient to determine the role of this variant in disease. Therefore, it has been classified as a Variant of Uncertain Significance.

Blueprint Genetics
Classification: Likely benign. Last evaluated: 2021-10-27. Review status: criteria provided, single submitter. Criteria: ACMG Guidelines, 2015. Collection method: clinical testing. Allele origin: germline.